The following is an entry in ClinVar:

NM_015512.5(DNAH1):c.8710G>A (p.Ala2904Thr)

Gene: DNAH1 (dynein axonemal heavy chain 1; plus strand). Cytogenetic location: 3p21.1.
Variant type: single nucleotide variant.
Coding change: c.8710G>A on transcript NM_015512.5 (MANE Select); coding-DNA position 8710, G replaced by A.
Protein change: p.Ala2904Thr; replaces alanine 2904 with threonine.
Molecular consequence: missense variant.
Genome position (GRCh38, 1-based): chr3:52,386,244, G>A. VCF-style: chr3-52386244-G-A. GRCh37 (hg19) VCF-style: chr3-52420260-G-A.
Other names: c.8710G>A (NM_015512.4); short protein forms A2904T.
Identifiers: ClinVar variation 1429738 (VCV001429738.7), dbSNP rs376878756, ClinGen allele CA2435303.

ClinVar aggregate classification (germline): Uncertain significance. Review status: criteria provided, multiple submitters, no conflicts (2 of 4 stars). 2 submissions from 2 submitters: Uncertain significance (2). Last evaluated 2026-04-14.

Conditions:
Ciliary dyskinesia, primary, 37 (CILD37). Also called: CILIARY DYSKINESIA, PRIMARY, 37, WITH OR WITHOUT SITUS INVERSUS. Identifiers: MedGen C4539798, MONDO:0033204, OMIM 617577.
Spermatogenic failure 18. Identifiers: MedGen C4539783, MONDO:0054615, OMIM 617576.

Allele frequency attached by ClinVar (database versions not stated): ESP Exome Variant Server 0.00008; ExAC 0.00001; gnomAD 0.00001; TOPMed 0.00002; gnomAD exomes below 0.00001 and 0.00001.
gnomAD v4.1: 5 of 1,613,468 alleles (0.00031%); highest among the groups gnomAD compares: African/African-American, 0.0013%; no homozygotes.

Submissions (2):

GeneDx
Classification: Uncertain significance. Last evaluated: 2026-04-14. Review status: criteria provided, single submitter. Criteria: GeneDx Variant Classification Process June 2021. Collection method: clinical testing. Allele origin: germline.
Comment: Not observed at significant frequency in large population cohorts (gnomAD); In silico analysis suggests that this missense variant does not alter protein structure/function; Has not been previously published as pathogenic or benign to our knowledge

Labcorp Genetics (formerly Invitae), Labcorp
Classification: Uncertain significance for Ciliary dyskinesia, primary, 37; Spermatogenic failure 18. Last evaluated: 2025-08-10. Review status: criteria provided, single submitter. Criteria: Invitae Variant Classification Sherloc (09022015). Collection method: clinical testing. Allele origin: germline.
Comment: This sequence change replaces alanine, which is neutral and non-polar, with threonine, which is neutral and polar, at codon 2904 of the DNAH1 protein (p.Ala2904Thr). This variant is present in population databases (rs376878756, gnomAD 0.0009%). This variant has not been reported in the literature in individuals affected with DNAH1-related conditions. ClinVar contains an entry for this variant (Variation ID: 1429738). Invitae Evidence Modeling of protein sequence and biophysical properties (such as structural, functional, and spatial information, amino acid conservation, physicochemical variation, residue mobility, and thermodynamic stability) indicates that this missense variant is not expected to disrupt DNAH1 protein function with a negative predictive value of 80%. In summary, the available evidence is currently insufficient to determine the role of this variant in disease. Therefore, it has been classified as a Variant of Uncertain Significance.